The following continues an entry in ClinVar:

NM_001048174.2(MUTYH):c.1393G>T (p.Val465Phe)

Gene: MUTYH. ClinVar aggregate classification (germline): Pathogenic/Likely pathogenic. Pathogenic (4); Likely pathogenic (8).

Submissions 10 to 14 of 14:

GeneDx
Classification: Likely pathogenic. Last evaluated: 2021-05-06. Review status: criteria provided, single submitter. Criteria: GeneDx Variant Classification Process June 2021. Collection method: clinical testing. Allele origin: germline. Affected: yes.
Comment: Not observed at a significant frequency in large population cohorts (Lek 2016); Reported in the homozygous or compound heterozygous state in at least 3 individuals with multiple colorectal adenomas, with or without colorectal cancer (Aretz 2006, Buecher 2008, Reggoug 2009); Published functional studies demonstrate a damaging effect: partially defective base excision repair activity in a yeast-based complementation assay (Komine 2015); In silico analysis supports that this missense variant has a deleterious effect on protein structure/function; Also known as c.1435G>T, p.Val479Phe; This variant is associated with the following publications: (PMID: 18787472, 29684080, 22493355, 22538434, 27631816, 21279954, 25368107, 26689913, 25820570, 20618354, 19806110, 16557584, 17931073, 17949294)

Laboratory for Molecular Medicine, Mass General Brigham Personalized Medicine
Classification: Likely pathogenic for Familial adenomatous polyposis 2. Last evaluated: 2018-08-22. Review status: criteria provided, single submitter. Criteria: ACMG Guidelines, 2015. Collection method: clinical testing. Allele origin: germline. Inheritance: Autosomal recessive inheritance.
Comment: The p.Val493Phe variant (also known as p.Val479Phe in the literature) in MUTYH has been reported in 1 compound heterozygous individual with MUTYH-associated attenuated familial adenomatous polyposis (FAP; Aretz 2006), 1 compound heterozygous individual with colorectal adenomas (Reggoug 2009), 1 homozygous individual with sporadic colorectal cancer (CRC; Kury 2007), and 1 heterozygous individual with CRC with no second allele specified (Kury 2007). This variant has also been reported in ClinVar (Variation ID 219953). This variant has been identified in 3/15010 European chromosomes by the Genome Aggregation Database (gnomAD; dbSNP rs587782228). This frequency is low enough to be consistent with the frequency of MUTYH-related attenuated FAP in the general population. In vitro functional studies provide some evidence that the p.Val493Phe variant may impact protein function (Grandval 2015, Komine 2015). Computational prediction tools and conservation analysis suggest that the p.Val493Phe variant may impact the protein. In summary, although additional studies are required to fully establish its clinical significance, the p.Val493Phe variant is likely pathogenic. ACMG/AMP Criteria applied: PM3_Strong, PS3_Moderate, PP3

Women's Health and Genetics/Laboratory Corporation of America, LabCorp
Classification: Likely pathogenic for Familial adenomatous polyposis 2. Last evaluated: 2015-10-16. Review status: criteria provided, single submitter. Criteria: LabCorp Variant Classification Summary - May 2015. Collection method: clinical testing. Allele origin: germline.
Comment: Variant summary: c.1477G>T affects a conserved nucleotide located at the first position of exon 15, resulting in amino acid change from Val to Phe. 3/4 in-silico tools predict this variant to be damaging (SNPs&GO not captured due to low reliability index). 5/5 programs in Alamut predict that this variant does not significantly affect normal splicing. ESE finder predicts that this variant may affect ESE site of SC35. Grandval_2015 predicted that this variant leads to major loss of exon 5 and an inframe deletion (p.Val479_Met492del) based on RT-PCR product sequencing (data not shown). This variant has been reported in homozygous and compound heterozygous state in patients with atypical polyposis, colorectal adenomas, MUTYH associated polyposis. One functional study in E.coli showed that protein with this variant partially lost the normal function in suppressing spontaneous mutations (Komine_2015). However, its function in human cells is still not clear. Taken together, this variant was classified as likely pathogenic.

Counsyl
Classification: Pathogenic for Familial adenomatous polyposis 2. Last evaluated: 2016-05-04. Review status: no assertion criteria provided. Collection method: clinical testing. Allele origin: unknown. Not counted in ClinVar's aggregate classification.

Dr. Peter K. Rogan Lab, Western University
No classification provided (evidence only). Condition: Clear cell carcinoma of kidney. Review status: no classification provided. Collection method: in vitro. Allele origin: not applicable. Functional consequence: skipped exon, retained intron. Not counted in ClinVar's aggregate classification.

Literature cited by the submitters: PubMed 16557584 (cited by 7 submitters); PubMed 17931073 (cited by 7 submitters); PubMed 17949294 (cited by 7 submitters); PubMed 19806110 (cited by 5 submitters); PubMed 20618354 (cited by Labcorp Genetics (formerly Invitae), Labcorp and Quest Diagnostics Nichols Institute San Juan Capistrano); PubMed 23729658 (cited by Labcorp Genetics (formerly Invitae), Labcorp and Ambry Genetics); PubMed 33504652 (cited by Labcorp Genetics (formerly Invitae), Labcorp and Quest Diagnostics Nichols Institute San Juan Capistrano); PubMed 25820570 (cited by 8 submitters); PubMed 25368107 (cited by 5 submitters); PubMed 19414147 (cited by Quest Diagnostics Nichols Institute San Juan Capistrano); PubMed 33471991 (cited by Quest Diagnostics Nichols Institute San Juan Capistrano); PubMed 26689913 (cited by Quest Diagnostics Nichols Institute San Juan Capistrano and Counsyl); PubMed 18992148 (cited by Women's Health and Genetics/Laboratory Corporation of America, LabCorp); PubMed 20725929 (cited by Women's Health and Genetics/Laboratory Corporation of America, LabCorp); PubMed 19725997 (cited by Women's Health and Genetics/Laboratory Corporation of America, LabCorp); PubMed 17161978 (cited by Women's Health and Genetics/Laboratory Corporation of America, LabCorp); PubMed 22538434 (cited by Women's Health and Genetics/Laboratory Corporation of America, LabCorp).